The following is an entry in ClinVar:

ClinVar aggregate classification (germline): Uncertain significance (1 of 4 stars; one submission).

Conditions:
Atrial fibrillation, familial, 7 (ATFB7). Identifiers: MedGen C2677106, MONDO:0012828, OMIM 612240.

Submission:

Labcorp Genetics (formerly Invitae), Labcorp
Classification: Uncertain significance for Atrial fibrillation, familial, 7. Last evaluated: 2022-03-08. Review status: criteria provided, single submitter. Criteria: Invitae Variant Classification Sherloc (09022015). Collection method: clinical testing. Allele origin: germline.
Comment: Algorithms developed to predict the effect of missense changes on protein structure and function (SIFT, PolyPhen-2, Align-GVGD) all suggest that this variant is likely to be disruptive. In summary, the available evidence is currently insufficient to determine the role of this variant in disease. Therefore, it has been classified as a Variant of Uncertain Significance. This variant has not been reported in the literature in individuals affected with KCNA5-related conditions. This variant is not present in population databases (gnomAD no frequency). This sequence change replaces arginine, which is basic and polar, with glutamine, which is neutral and polar, at codon 250 of the KCNA5 protein (p.Arg250Gln).

NM_002234.4(KCNA5):c.749G>A (p.Arg250Gln)

Gene: KCNA5 (potassium voltage-gated channel subfamily A member 5; plus strand). Cytogenetic location: 12p13.32.
Variant type: single nucleotide variant.
Coding change: c.749G>A on transcript NM_002234.4 (MANE Select); coding-DNA position 749, G replaced by A.
Protein change: p.Arg250Gln; replaces arginine 250 with glutamine.
Molecular consequence: missense variant.
Genome position (GRCh38, 1-based): chr12:5,044,896, G>A. VCF-style: chr12-5044896-G-A. GRCh37 (hg19) VCF-style: chr12-5154062-G-A.
Other names: short protein forms R250Q.
Identifiers: ClinVar variation 1940800 (VCV001940800.5), dbSNP rs900871861, ClinGen allele CA383465081.
Genomic context (GRCh38, chr12:5,044,896, plus strand): 5'-ACGAGTTCCAGCGCCAGGTGTGGCTTATCTTCGAGTATCCGGAGAGCTCTGGGTCCGCGC[G>A]GGCCATCGCCATCGTCTCGGTCTTGGTTATCCTCATCTCCATCATCACCTTCTGCTTGGA-3'
Protein context (NP_002225.2, residues 240-260): FEYPESSGSA[Arg250Gln]AIAIVSVLVI